The following is an entry in ClinVar:

NM_000174.5(GP9):c.404G>T (p.Cys135Phe)

Gene: GP9 (glycoprotein IX platelet; plus strand). Cytogenetic location: 3q21.3.
Variant type: single nucleotide variant.
Coding change: c.404G>T on transcript NM_000174.5 (MANE Select); coding-DNA position 404, G replaced by T.
Protein change: p.Cys135Phe; replaces cysteine 135 with phenylalanine.
Molecular consequence: missense variant.
Genome position (GRCh38, 1-based): chr3:129,062,143, G>T. VCF-style: chr3-129062143-G-T. GRCh37 (hg19) VCF-style: chr3-128780986-G-T.
Other names: NM_000174.5(GP9):c.404G>T; p.Cys135Phe; short protein forms C135F.
Identifiers: ClinVar variation 993015 (VCV000993015.2), dbSNP rs769561588, ClinGen allele CA354449059.

ClinVar aggregate classification (germline): Uncertain significance. Review status: reviewed by expert panel (3 of 4 stars). 2 submissions from 2 submitters: Uncertain significance (1). 1 of the submissions does not count toward it. Last evaluated 2026-03-17.

Conditions:
Bernard Soulier syndrome (BSS). Also called: BLEEDING DISORDER, PLATELET-TYPE, 1; GLYCOPROTEIN Ib, PLATELET, DEFICIENCY OF; PLATELET GLYCOPROTEIN Ib DEFICIENCY; VON WILLEBRAND FACTOR RECEPTOR DEFICIENCY; Platelet Glycoprotein 1b, Deficiency of; Giant platelet syndrome. Identifiers: Orphanet 274, MedGen C0005129, MeSH D001606, MONDO:0009276, OMIM 231200.

gnomAD v4.1: 1 of 1,588,170 alleles (0.000063%); highest among the groups gnomAD compares: Non-Finnish European, 0.000085%; no homozygotes.

Submissions (2):

ClinGen Platelet Disorders Variant Curation Expert Panel, ClinGen
Classification: Uncertain significance for Bernard Soulier syndrome. Last evaluated: 2026-03-17. Review status: reviewed by expert panel. Criteria: ClinGen Platelet ACMG Specifications GP9 V1.0.0. Collection method: curation. Allele origin: germline. Inheritance: Autosomal recessive inheritance.
Comment: The c.404G>T variant in GP9 is a missense variant predicted to cause substitution of Cysteine by Tyrosine at amino acid 135 (p.Cys135Phe). The highest MAF allele frequency in gnomAD v4.1.0 is 0.0000008544 (based on 1/1170352 alleles) in the European (non-Finnish) population, which is lower than the ClinGen PD VCEP threshold (<0.0000329; PM2_Supporting). Another missense variant, c.404G>A (p.Cys135Tyr), in the same codon has been classified as Likely Pathogenic for Bernard-Soulier syndrome by the ClinGen PD VCEP (PM5_Supporting). This variant was reported in ClinVar in a BSS-affected patient (SCV001469238.1). In summary, this variant meets the criteria to be classified as VUS for autosomal recessive Bernard-Soulier syndrome based on the ACMG/AMP criteria applied, as specified by the ClinGen PD VCEP: PM2_Supporting and PM5_Supporting (VCEP specifications version 1.1).

Biochemical Molecular Genetic Laboratory, King Abdulaziz Medical City
Classification: Likely pathogenic for Bernard Soulier syndrome. Last evaluated: 2020-09-10. Review status: no assertion criteria provided. Collection method: clinical testing. Allele origin: germline. Affected: yes. Not counted in ClinVar's aggregate classification.